The following is an entry in ClinVar:

ClinVar aggregate classification (germline): Benign/Likely benign. Review status: criteria provided, multiple submitters, no conflicts (2 of 4 stars). 6 submissions from 6 submitters: Benign (2); Likely benign (2). 2 of the submissions do not count toward it. Last evaluated 2025-11-25.

Conditions:
Retinitis pigmentosa (RP). Identifiers: Orphanet 791, MedGen C0035334, MeSH D012174, MONDO:0019200, OMIM 268000. Inheritance: Autosomal dominant, autosomal recessive and X linked inheritance.

Allele frequency attached by ClinVar (database versions not stated): ESP Exome Variant Server 0.00008; gnomAD 0.00015 and 0.00019; TOPMed 0.00020; gnomAD exomes 0.00031 and 0.00050; ExAC 0.00053; 1000 Genomes Project 30x 0.00094; 1000 Genomes Project 0.00100.

Submissions (6):

Labcorp Genetics (formerly Invitae), Labcorp
Classification: Benign. Last evaluated: 2025-11-25. Review status: criteria provided, single submitter. Criteria: Invitae Variant Classification Sherloc (09022015). Collection method: clinical testing. Allele origin: germline.

Blueprint Genetics
Classification: Likely benign. Last evaluated: 2024-10-10. Review status: criteria provided, single submitter. Criteria: ACMG Guidelines, 2015. Collection method: clinical testing. Allele origin: germline.

CeGaT Center for Human Genetics Tuebingen
Classification: Benign. Last evaluated: 2022-03-01. Review status: criteria provided, single submitter. Criteria: CeGaT Center For Human Genetics Tuebingen Variant Classification Criteria Version 2. Collection method: clinical testing. Allele origin: germline. Affected: yes. Observed: 1 variant allele.
Comment: SNRNP200: BS1, BS2

Illumina Laboratory Services, Illumina
Classification: Likely benign for Retinitis pigmentosa. Last evaluated: 2018-01-12. Review status: criteria provided, single submitter. Criteria: ICSL Variant Classification Criteria 13 December 2019. Collection method: clinical testing. Allele origin: germline.
Comment: This variant was observed in the ICSL laboratory as part of a predisposition screen in an ostensibly healthy population. It had not been previously curated by ICSL or reported in the Human Gene Mutation Database (HGMD: prior to June 1st, 2018), and was therefore a candidate for classification through an automated scoring system. Utilizing variant allele frequency, disease prevalence and penetrance estimates, and inheritance mode, an automated score was calculated to assess if this variant is too frequent to cause the disease. Based on the score and internal cut-off values, a variant classified as likely benign is not then subjected to further curation. The score for this variant resulted in a classification of likely benign for this disease.

Clinical Genetics DNA and cytogenetics Diagnostics Lab, Erasmus MC, Erasmus Medical Center
Classification: Likely benign. Review status: no assertion criteria provided. Collection method: clinical testing. Allele origin: germline. Affected: yes. Study: VKGL Data-share Consensus. Not counted in ClinVar's aggregate classification.

Clinical Genetics, Academic Medical Center
Classification: Benign. Review status: no assertion criteria provided. Collection method: clinical testing. Allele origin: germline. Affected: yes. Study: VKGL Data-share Consensus. Not counted in ClinVar's aggregate classification.

NM_014014.5(SNRNP200):c.5538C>T (p.Ile1846=)

Gene: SNRNP200 (small nuclear ribonucleoprotein U5 subunit 200; minus strand). Cytogenetic location: 2q11.2.
Variant type: single nucleotide variant.
Coding change: c.5538C>T on transcript NM_014014.5 (MANE Select); coding-DNA position 5538, C replaced by T.
Protein change: p.Ile1846=; no amino-acid change (isoleucine 1846 retained).
Molecular consequence: synonymous variant.
Genome position (GRCh38, 1-based): chr2:96,278,309, G>A on the plus strand (C>T on the coding strand, the complement: SNRNP200 is on the minus strand). VCF-style: chr2-96278309-G-A. GRCh37 (hg19) VCF-style: chr2-96944047-G-A.
Identifiers: ClinVar variation 779226 (VCV000779226.41), dbSNP rs201513678, ClinGen allele CA1777945.